The following is an entry in ClinVar:

ClinVar aggregate classification (germline): Conflicting classifications of pathogenicity. Review status: criteria provided, conflicting classifications (1 of 4 stars). 3 submissions from 3 submitters: Likely pathogenic (2); Uncertain significance (1). Last evaluated 2024-11-13.

Conditions:
Birt-Hogg-Dube syndrome. Also called: Birt Hogg Dubé syndrome. Identifiers: Orphanet 122, MedGen C0346010, MONDO:0800444.
Hereditary cancer-predisposing syndrome. Also called: Tumor predisposition; Neoplastic Syndromes, Hereditary; Hereditary Cancer Syndrome; Hereditary neoplastic syndrome. Identifiers: Orphanet 140162, MedGen C0027672, MeSH D009386, MONDO:0015356.

Submissions (3):

Labcorp Genetics (formerly Invitae), Labcorp
Classification: Uncertain significance for Birt-Hogg-Dube syndrome. Last evaluated: 2024-11-13. Review status: criteria provided, single submitter. Criteria: Invitae Variant Classification Sherloc (09022015). Collection method: clinical testing. Allele origin: germline.
Comment: This variant results in the deletion of part of exon 14 (c.1539-1_1540del) of the FLCN gene. While this variant is not anticipated to result in nonsense mediated decay, it likely alters RNA splicing and results in a disrupted protein product. This variant is not present in population databases (gnomAD no frequency). This variant has not been reported in the literature in individuals affected with FLCN-related conditions. ClinVar contains an entry for this variant (Variation ID: 2673445). Variants that disrupt the consensus splice site are a relatively common cause of aberrant splicing (PMID: 17576681, 9536098). In summary, the available evidence is currently insufficient to determine the role of this variant in disease. Therefore, it has been classified as a Variant of Uncertain Significance.

Ambry Genetics
Classification: Likely pathogenic for Hereditary cancer-predisposing syndrome. Last evaluated: 2024-09-11. Review status: criteria provided, single submitter. Criteria: Ambry Variant Classification Scheme 2023. Collection method: clinical testing. Allele origin: germline.
Comment: The c.1539-1_1540delGCA intronic variant results from a deletion of 3 nucleotides between c.1539-1 and 1540 and involves the canonical splice acceptor site before coding exon 11 in the FLCN gene. This alteration occurs at the 3' terminus of the FLCN gene and is not expected to trigger nonsense-mediated mRNA decay. The exact functional effect of this alteration is unknown; however, the impacted region is critical for protein function (Ambry internal data). Another alteration impacting the same acceptor site (c.1539-2A>G) has been observed in multiple individuals with a personal and/or family history that is consistent with FLCN-related disease (Johannesma PC et al. Springerplus, 2016 Sep;5:1506; Park HJ et al. Diagnostics (Basel). 2023 Jun;13(12); Ambry internal data). This variant is considered to be rare based on population cohorts in the Genome Aggregation Database (gnomAD). The canonical nucleotide position is highly conserved in available vertebrate species. In silico splice site analysis predicts that this alteration will weaken the native splice acceptor site and will result in the creation or strengthening of a novel splice acceptor site. Based on the majority of available evidence to date, this variant is likely to be pathogenic.

Myriad Genetics, Inc.
Classification: Likely pathogenic for Birt-Hogg-Dube syndrome 1. Last evaluated: 2023-09-07. Review status: criteria provided, single submitter. Criteria: Myriad Autosomal Dominant, Autosomal Recessive and X-Linked Classification Criteria (2023). Collection method: clinical testing. Allele origin: unknown.
Comment: This variant is considered likely pathogenic. This variant occurs within a consensus splice junction and is predicted to result in abnormal mRNA splicing of either an out-of-frame exon or an in-frame exon necessary for protein stability and/or normal function.

Literature cited by the submitters: PubMed 17576681 (cited by Labcorp Genetics (formerly Invitae), Labcorp); PubMed 9536098 (cited by Labcorp Genetics (formerly Invitae), Labcorp).

NM_144997.7(FLCN):c.1539-1_1540del

Gene: FLCN (folliculin; minus strand). Cytogenetic location: 17p11.2.
Variant type: Deletion.
Coding change: c.1539-1_1540del on transcript NM_144997.7 (MANE Select); the canonical splice acceptor site of the intron before coding-DNA position 1539 through coding-DNA position 1540, 3 bases deleted (GCA; older notation c.1539-1_1540delGCA).
Molecular consequence: splice acceptor variant.
Genome position (GRCh38, 1-based): chr17:17,213,855-17,213,857, TGC deleted on the plus strand (GCA on the coding strand, the reverse complement: FLCN is on the minus strand); deleting any 3 consecutive bases within chr17:17,213,855-17,213,859 gives the same sequence; the c. name uses the placement nearest the transcript's 3' end. VCF-style (leftmost placement, unchanged base first): chr17-17213854-TTGC-T. GRCh37 (hg19) VCF-style: chr17-17117168-TTGC-T.
Other names: c.1539-1_1540delGCA (NM_144997.5); c.1539-1_1540del (NM_001353231.2, NM_001353230.2); c.1593-1_1594del (NM_001353229.2).
Identifiers: ClinVar variation 2673445 (VCV002673445.4), dbSNP rs2544126650, ClinGen allele CA2695201253.